The following is an entry in ClinVar:

NM_006767.4(LZTR1):c.1465G>A (p.Ala489Thr)

Gene: LZTR1 (leucine zipper like post translational regulator 1; plus strand). Cytogenetic location: 22q11.21.
Variant type: single nucleotide variant.
Coding change: c.1465G>A on transcript NM_006767.4 (MANE Select); coding-DNA position 1465, G replaced by A.
Protein change: p.Ala489Thr; replaces alanine 489 with threonine.
Molecular consequence: missense variant.
Genome position (GRCh38, 1-based): chr22:20,994,119, G>A. VCF-style: chr22-20994119-G-A. GRCh37 (hg19) VCF-style: chr22-21348408-G-A.
Other names: short protein forms A489T.
Identifiers: ClinVar variation 3935818 (VCV003935818.1).
Genomic context (GRCh38, chr22:20,994,119, plus strand): 5'-GCCTGGTGTCCACTGGGGTGTCCTTGAGCTCCCTTCTCCCCACAGAAGCTGGAGCAGGAG[G>A]CCGCCCCAGTTCCCAGGGAGGCCCCCGGCGTGGCTGCTGGTGGGGCCCGGCCGCCCCTGC-3'
Protein context (NP_006758.2, residues 479-499): ERLAQKLEQE[Ala489Thr]APVPREAPGV

ClinVar aggregate classification (germline): Uncertain significance (1 of 4 stars; one submission).

Conditions:
Cardiovascular phenotype. Identifiers: MedGen CN230736.
Hereditary cancer-predisposing syndrome. Also called: Tumor predisposition; Hereditary neoplastic syndrome; Hereditary Cancer Syndrome; Neoplastic Syndromes, Hereditary. Identifiers: Orphanet 140162, MedGen C0027672, MeSH D009386, MONDO:0015356.

gnomAD v4.1: 1 of 1,581,398 alleles (0.000063%); no homozygotes.

Submission:

Ambry Genetics
Classification: Uncertain significance for Cardiovascular phenotype; Hereditary cancer-predisposing syndrome. Last evaluated: 2025-04-25. Review status: criteria provided, single submitter. Criteria: Ambry Variant Classification Scheme 2023. Collection method: clinical testing. Allele origin: germline.
Comment: The p.A489T variant (also known as c.1465G>A), located in coding exon 14 of the LZTR1 gene, results from a G to A substitution at nucleotide position 1465. The alanine at codon 489 is replaced by threonine, an amino acid with similar properties. This amino acid position is conserved. In addition, this alteration is predicted to be tolerated by in silico analysis. Based on the available evidence, the clinical significance of this variant remains unclear.